The following is an entry in ClinVar:

NM_001134363.3(RBM20):c.2513C>A (p.Ala838Asp)

Gene: RBM20 (RNA binding motif protein 20; plus strand). Cytogenetic location: 10q25.2.
Variant type: single nucleotide variant.
Coding change: c.2513C>A on transcript NM_001134363.3 (MANE Select); coding-DNA position 2513, C replaced by A.
Protein change: p.Ala838Asp; replaces alanine 838 with aspartic acid.
Molecular consequence: missense variant.
Genome position (GRCh38, 1-based): chr10:110,812,910, C>A. VCF-style: chr10-110812910-C-A. GRCh37 (hg19) VCF-style: chr10-112572668-C-A.
Other names: short protein forms A838D.
Identifiers: ClinVar variation 2449402 (VCV002449402.2), dbSNP rs1335953528, ClinGen allele CA378374586.

ClinVar aggregate classification (germline): Uncertain significance (1 of 4 stars; one submission).

Conditions:
Cardiovascular phenotype. Identifiers: MedGen CN230736.

Submission:

Ambry Genetics
Classification: Uncertain significance for Cardiovascular phenotype. Last evaluated: 2023-03-03. Review status: criteria provided, single submitter. Criteria: Ambry Variant Classification Scheme 2023. Collection method: clinical testing. Allele origin: germline.
Comment: The p.A838D variant (also known as c.2513C>A), located in coding exon 9 of the RBM20 gene, results from a C to A substitution at nucleotide position 2513. The alanine at codon 838 is replaced by aspartic acid, an amino acid with dissimilar properties. This amino acid position is conserved. In addition, this alteration is predicted to be tolerated by in silico analysis. Since supporting evidence is limited at this time, the clinical significance of this alteration remains unclear.